The following is an entry in ClinVar:

ClinVar aggregate classification (germline): Pathogenic. Review status: criteria provided, multiple submitters, no conflicts (2 of 4 stars). 2 submissions from 2 submitters: Pathogenic (2). Last evaluated 2026-09-14.

Conditions:
Hereditary cancer-predisposing syndrome. Also called: Hereditary Cancer Syndrome; Hereditary neoplastic syndrome; Neoplastic Syndromes, Hereditary; Tumor predisposition. Identifiers: Orphanet 140162, MedGen C0027672, MeSH D009386, MONDO:0015356.

Submissions (2):

Ambry Genetics
Classification: Pathogenic for Hereditary cancer-predisposing syndrome. Last evaluated: 2026-09-14. Review status: criteria provided, single submitter. Criteria: Ambry Variant Classification Scheme 2023. Collection method: clinical testing. Allele origin: germline.
Comment: The c.3861_3862delTA pathogenic mutation, located in coding exon 9 of the MSH6 gene, results from a deletion of two nucleotides at nucleotide positions 3861 to 3862, causing a translational frameshift with a predicted alternate stop codon (p.Y1287*). This variant is considered to be rare based on population cohorts in the Genome Aggregation Database (gnomAD). This alteration is expected to result in loss of function by premature protein truncation or nonsense-mediated mRNA decay. As such, this alteration is interpreted as a disease-causing mutation.

Color Diagnostics, LLC DBA Color Health
Classification: Pathogenic for Hereditary cancer-predisposing syndrome. Last evaluated: 2023-03-15. Review status: criteria provided, single submitter. Criteria: ACMG Guidelines, 2015. Collection method: clinical testing. Allele origin: germline.
Comment: This variant deletes 2 nucleotides in exon 9 of the MSH6 gene, creating a frameshift and premature translation stop signal. This variant is expected to result in an absent or non-functional protein product. To our knowledge, this variant has not been reported in individuals affected with MSH6-related disorders in the literature. This variant has not been identified in the general population by the Genome Aggregation Database (gnomAD). Loss of MSH6 function is a known mechanism of disease. Based on the available evidence, this variant is classified as Pathogenic.

NM_000179.3(MSH6):c.3861_3862del (p.Tyr1287_Lys1288delinsTer)

Gene: MSH6 (mutS homolog 6; plus strand). Cytogenetic location: 2p16.3.
Variant type: Microsatellite.
Coding change: c.3861_3862del on transcript NM_000179.3 (MANE Select); coding-DNA positions 3861 to 3862, 2 bases deleted (TA; older notation c.3861_3862delTA).
Protein change: p.Tyr1287_Lys1288delinsTer.
Molecular consequence: nonsense. On other transcripts: frameshift variant (39).
Genome position (GRCh38, 1-based): chr2:47,806,511-47,806,512, TA deleted; deleting any 2 consecutive bases within chr2:47,806,509-47,806,512 gives the same sequence; the c. name uses the placement nearest the transcript's 3' end. VCF-style (leftmost placement, unchanged base first): chr2-47806508-CTA-C. GRCh37 (hg19) VCF-style: chr2-48033647-CTA-C.
Other names: c.3861_3862delTA (NM_000179.2); c.3859_3860TA[1], p.Tyr1287Terfs (NM_000179.2, NM_001406796.1, NM_001406808.1 and 1 more transcripts); c.3471_3472del, p.Tyr1157_Lys1158delinsTer (NM_001281492.2); c.2955_2956del, p.Tyr985_Lys986delinsTer (NM_001281493.2, NM_001281494.2); c.3955_3956TA[1], p.Tyr1319Terfs (NM_001406795.1); c.3562_3563TA[1], p.Tyr1188Terfs (NM_001406797.1, NM_001406801.1, NM_001406805.1 and 10 more transcripts); c.3685_3686TA[1], p.Tyr1229Terfs (NM_001406798.1); c.3334_3335TA[1], p.Tyr1112Terfs (NM_001406799.1, NM_001406806.1, NM_001406807.1); and 10 more.
Identifiers: ClinVar variation 1735608 (VCV001735608.5), dbSNP rs2530862015, ClinGen allele CA2580611331.